The following is an entry in ClinVar:

ClinVar aggregate classification (germline): Uncertain significance. Review status: criteria provided, multiple submitters, no conflicts (2 of 4 stars). 2 submissions from 2 submitters: Uncertain significance (2). Last evaluated 2025-07-27.

Conditions:
Hereditary cancer-predisposing syndrome. Also called: Tumor predisposition; Hereditary neoplastic syndrome; Hereditary Cancer Syndrome; Neoplastic Syndromes, Hereditary. Identifiers: Orphanet 140162, MedGen C0027672, MeSH D009386, MONDO:0015356.

gnomAD v4.1: 1 of 1,612,538 alleles (0.000062%); no homozygotes.

Submissions (2):

Labcorp Genetics (formerly Invitae), Labcorp
Classification: Uncertain significance. Last evaluated: 2025-07-27. Review status: criteria provided, single submitter. Criteria: Invitae Variant Classification Sherloc (09022015). Collection method: clinical testing. Allele origin: germline.
Comment: This sequence change replaces lysine, which is basic and polar, with arginine, which is basic and polar, at codon 1276 of the POLE protein (p.Lys1276Arg). This variant is not present in population databases (gnomAD no frequency). This variant has not been reported in the literature in individuals affected with POLE-related conditions. ClinVar contains an entry for this variant (Variation ID: 3935633). Invitae Evidence Modeling of protein sequence and biophysical properties (such as structural, functional, and spatial information, amino acid conservation, physicochemical variation, residue mobility, and thermodynamic stability) indicates that this missense variant is not expected to disrupt POLE protein function with a negative predictive value of 80%. Algorithms developed to predict the effect of sequence changes on RNA splicing suggest that this variant may disrupt the consensus splice site. In summary, the available evidence is currently insufficient to determine the role of this variant in disease. Therefore, it has been classified as a Variant of Uncertain Significance.

Ambry Genetics
Classification: Uncertain significance for Hereditary cancer-predisposing syndrome. Last evaluated: 2025-05-21. Review status: criteria provided, single submitter. Criteria: Ambry Variant Classification Scheme 2023. Collection method: clinical testing. Allele origin: germline.
Comment: The p.K1276R variant (also known as c.3827A>G), located in coding exon 31 of the POLE gene, results from an A to G substitution at nucleotide position 3827. The lysine at codon 1276 is replaced by arginine, an amino acid with highly similar properties. This amino acid position is well conserved in available vertebrate species. In addition, this alteration is predicted to be tolerated by in silico analysis. Based on the available evidence, the clinical significance of this variant remains unclear.

NM_006231.4(POLE):c.3827A>G (p.Lys1276Arg)

Gene: POLE (DNA polymerase epsilon, catalytic subunit; minus strand). Cytogenetic location: 12q24.33.
Variant type: single nucleotide variant.
Coding change: c.3827A>G on transcript NM_006231.4 (MANE Select); coding-DNA position 3827, A replaced by G.
Protein change: p.Lys1276Arg; replaces lysine 1276 with arginine.
Molecular consequence: missense variant.
Genome position (GRCh38, 1-based): chr12:132,649,484, T>C on the plus strand (A>G on the coding strand, the complement: POLE is on the minus strand). VCF-style: chr12-132649484-T-C. GRCh37 (hg19) VCF-style: chr12-133226070-T-C.
Other names: short protein forms K1276R.
Identifiers: ClinVar variation 3935633 (VCV003935633.2).